The following is an entry in ClinVar:

ClinVar aggregate classification (germline): Uncertain significance (1 of 4 stars; one submission).

Conditions:
Hyper-IgM syndrome type 5 (HIGM5). Also called: Hyper-IgM Immunodeficiency Syndrome, Type 5. Identifiers: Orphanet 101092, MedGen C1720958, MONDO:0011971, OMIM 608106.

Allele frequency attached by ClinVar (database versions not stated): TOPMed below 0.00001.

Submission:

Labcorp Genetics (formerly Invitae), Labcorp
Classification: Uncertain significance for Hyper-IgM syndrome type 5. Last evaluated: 2022-07-30. Review status: criteria provided, single submitter. Criteria: Invitae Variant Classification Sherloc (09022015). Collection method: clinical testing. Allele origin: germline.
Comment: This variant has not been reported in the literature in individuals affected with UNG-related conditions. This sequence change replaces glutamic acid, which is acidic and polar, with aspartic acid, which is acidic and polar, at codon 96 of the UNG protein (p.Glu96Asp). This variant is not present in population databases (gnomAD no frequency). Algorithms developed to predict the effect of missense changes on protein structure and function output the following: SIFT: "Tolerated"; PolyPhen-2: "Benign"; Align-GVGD: "Class C0". The aspartic acid amino acid residue is found in multiple mammalian species, which suggests that this missense change does not adversely affect protein function. In summary, the available evidence is currently insufficient to determine the role of this variant in disease. Therefore, it has been classified as a Variant of Uncertain Significance.

NM_080911.3(UNG):c.288G>C (p.Glu96Asp)

Gene: UNG (uracil DNA glycosylase; plus strand). Cytogenetic location: 12q24.11.
Variant type: single nucleotide variant.
Coding change: c.288G>C on transcript NM_080911.3 (MANE Select); coding-DNA position 288, G replaced by C.
Protein change: p.Glu96Asp; replaces glutamic acid 96 with aspartic acid.
Molecular consequence: missense variant.
Genome position (GRCh38, 1-based): chr12:109,098,587, G>C. VCF-style: chr12-109098587-G-C. GRCh37 (hg19) VCF-style: chr12-109536392-G-C.
Other names: c.261G>C, p.Glu87Asp (NM_003362.4); short protein forms E87D, E96D.
Identifiers: ClinVar variation 2146141 (VCV002146141.4), dbSNP rs2042152541, ClinGen allele CA386470052.